The following is an entry in ClinVar:

NM_030962.4(SBF2):c.21C>T (p.Tyr7=)

Genes: SBF2 (SET binding factor 2; minus strand), LOC130005303 (ATAC-STARR-seq lymphoblastoid silent region 3141; plus strand). Cytogenetic location: 11p15.4.
Variant type: single nucleotide variant.
Coding change: c.21C>T on transcript NM_030962.4 (MANE Select); coding-DNA position 21, C replaced by T.
Protein change: p.Tyr7=; no amino-acid change (tyrosine 7 retained).
Molecular consequence: synonymous variant.
Genome position (GRCh38, 1-based): chr11:10,294,049, G>A on the plus strand (C>T on the coding strand, the complement: SBF2 is on the minus strand). VCF-style: chr11-10294049-G-A. GRCh37 (hg19) VCF-style: chr11-10315596-G-A.
Other names: c.21C>T, p.Tyr7= (NM_001386339.1, NM_001386342.1).
Identifiers: ClinVar variation 510420 (VCV000510420.1), dbSNP rs1555111778, ClinGen allele CA473196603.

ClinVar aggregate classification (germline): Likely benign (1 of 4 stars; one submission).

Submission:

GeneDx
Classification: Likely benign. Last evaluated: 2017-06-26. Review status: criteria provided, single submitter. Criteria: GeneDx Variant Classification (06012015). Collection method: clinical testing. Allele origin: germline. Affected: yes.
Comment: This variant is considered likely benign or benign based on one or more of the following criteria: it is a conservative change, it occurs at a poorly conserved position in the protein, it is predicted to be benign by multiple in silico algorithms, and/or has population frequency not consistent with disease.